The following is an entry in ClinVar:

NM_000321.3(RB1):c.1961-16T>C

Gene: RB1 (RB transcriptional corepressor 1; plus strand). Cytogenetic location: 13q14.2.
Variant type: single nucleotide variant.
Coding change: c.1961-16T>C on transcript NM_000321.3 (MANE Select); 16 bases into the intron before coding-DNA position 1961, T replaced by C.
Molecular consequence: intron variant.
Genome position (GRCh38, 1-based): chr13:48,459,672, T>C. VCF-style: chr13-48459672-T-C. GRCh37 (hg19) VCF-style: chr13-49033808-T-C.
Other names: c.1961-16T>C (NM_001407165.1).
Identifiers: ClinVar variation 4875985 (VCV004875985.1).

ClinVar aggregate classification (germline): Likely benign (1 of 4 stars; one submission).

Conditions:
Retinoblastoma (RB1). Also called: RETINOBLASTOMA, SOMATIC. Identifiers: Orphanet 790, MedGen C0035335, MeSH D012175, MONDO:0008380, OMIM 180200, HP:0009919. Disease mechanism: loss of function. Inheritance: Both sporadic and heritable forms are tested..

Submission:

Myriad Genetics, Inc.
Classification: Likely benign for Retinoblastoma. Last evaluated: 2026-06-22. Review status: criteria provided, single submitter. Criteria: Myriad Autosomal Dominant, Autosomal Recessive and X-Linked Classification Criteria (2023). Collection method: clinical testing. Allele origin: unknown.
Comment: This variant is considered likely benign. This variant is intronic and is not expected to impact mRNA splicing.